The following is an entry in ClinVar:

ClinVar aggregate classification (germline): Likely benign. Review status: criteria provided, multiple submitters, no conflicts (2 of 4 stars). 3 submissions from 3 submitters: Likely benign (3). Last evaluated 2025-12-22.

Conditions:
Catecholaminergic polymorphic ventricular tachycardia (CVPT). Also called: Catecholamine-induced polymorphic ventricular tachycardia. Identifiers: Orphanet 3286, MedGen C5574922, MONDO:0017990.
Cardiomyopathy (CMYO). Also called: Cardiomyopathies. Identifiers: Orphanet 167848, MedGen C0878544, MONDO:0004994, HP:0001638. Inheritance: Various modes of inheritance.
Catecholaminergic polymorphic ventricular tachycardia 1. Also called: VENTRICULAR TACHYCARDIA, CATECHOLAMINERGIC POLYMORPHIC, 1, WITH OR WITHOUT ATRIAL DYSFUNCTION AND/OR DILATED CARDIOMYOPATHY; VENTRICULAR TACHYCARDIA, STRESS-INDUCED POLYMORPHIC 1; RYR2-Related Catecholaminergic Polymorphic Ventricular Tachycardia. Identifiers: Orphanet 3286, MedGen C1631597, MONDO:0011484, OMIM 604772.

Allele frequency attached by ClinVar (database versions not stated): gnomAD exomes below 0.00001; TOPMed below 0.00001; ExAC 0.00001; gnomAD 0.00001; 1000 Genomes Project 30x 0.00016; 1000 Genomes Project 0.00020.
gnomAD v4.1: 10 of 1,589,880 alleles (0.00063%); highest among the groups gnomAD compares: African/African-American, 0.0027%; no homozygotes.

Submissions (3):

Labcorp Genetics (formerly Invitae), Labcorp
Classification: Likely benign for Catecholaminergic polymorphic ventricular tachycardia 1. Last evaluated: 2025-12-22. Review status: criteria provided, single submitter. Criteria: Invitae Variant Classification Sherloc (09022015). Collection method: clinical testing. Allele origin: germline.

All of Us Research Program, National Institutes of Health
Classification: Likely benign for Catecholaminergic polymorphic ventricular tachycardia. Last evaluated: 2023-03-09. Review status: criteria provided, single submitter. Criteria: ACMG Guidelines, 2015. Collection method: clinical testing. Allele origin: germline. Inheritance: Autosomal dominant inheritance. Observed: 1 variant allele, 1 heterozygote.
Comment: This study involves interpretation of variants in research participants for the purpose of population health screening. Participant phenotype was not available at the time of variant classification. Additional details can be found in publication PMID: 35346344, PMCID: PMC8962531

Color Diagnostics, LLC DBA Color Health
Classification: Likely benign for Cardiomyopathy. Last evaluated: 2020-03-03. Review status: criteria provided, single submitter. Criteria: ACMG Guidelines, 2015. Collection method: clinical testing. Allele origin: germline.

NM_001035.3(RYR2):c.4276-10A>G

Gene: RYR2 (ryanodine receptor 2; plus strand). Cytogenetic location: 1q43.
Variant type: single nucleotide variant.
Coding change: c.4276-10A>G on transcript NM_001035.3 (MANE Select); 10 bases into the intron before coding-DNA position 4276, A replaced by G.
Molecular consequence: intron variant.
Genome position (GRCh38, 1-based): chr1:237,593,466, A>G. VCF-style: chr1-237593466-A-G. GRCh37 (hg19) VCF-style: chr1-237756766-A-G.
Identifiers: ClinVar variation 925887 (VCV000925887.13), dbSNP rs551064291, ClinGen allele CA086583.